The following is an entry in ClinVar:

NM_001367624.2(ZNF469):c.10324_10325del (p.Arg3442fs)

Gene: ZNF469 (zinc finger protein 469; plus strand). Cytogenetic location: 16q24.2.
Variant type: Deletion.
Coding change: c.10324_10325del on transcript NM_001367624.2 (MANE Select); coding-DNA positions 10324 to 10325, 2 bases deleted (AG; older notation c.10324_10325delAG).
Protein change: p.Arg3442fs; shifts the reading frame from arginine 3442.
Molecular consequence: frameshift variant.
Genome position (GRCh38, 1-based): chr16:88,437,794-88,437,795, AG deleted. VCF-style (leftmost placement, unchanged base first): chr16-88437793-CAG-C. GRCh37 (hg19) VCF-style: chr16-88504201-CAG-C.
Other names: short protein forms R3442fs.
Identifiers: ClinVar variation 2018583 (VCV002018583.5), dbSNP rs1567516825, ClinGen allele CA624447635.

ClinVar aggregate classification (germline): Pathogenic/Likely pathogenic. Review status: criteria provided, multiple submitters, no conflicts (2 of 4 stars). 2 submissions from 2 submitters: Pathogenic (1); Likely pathogenic (1). Last evaluated 2024-04-23.

Conditions:
Brittle cornea syndrome 1 (BCS1). Also called: CORNEAL FRAGILITY, KERATOGLOBUS, BLUE SCLERAE, JOINT HYPEREXTENSIBILITY; EDS6B; FRAGILITAS OCULI WITH JOINT HYPEREXTENSIBILITY; Corneal fragility keratoglobus, blue sclerae AND joint hypermobility; DYSGENESIS MESODERMALIS CORNEAE ET SCLERAE. Identifiers: Orphanet 90354, MedGen C0268344, MONDO:0024543, OMIM 229200.

Allele frequency attached by ClinVar (database versions not stated): gnomAD exomes below 0.00001; gnomAD 0.00001.

Submissions (2):

Fulgent Genetics
Classification: Likely pathogenic for Brittle cornea syndrome 1. Last evaluated: 2024-04-23. Review status: criteria provided, single submitter. Criteria: ACMG Guidelines, 2015. Collection method: clinical testing. Allele origin: germline.

Labcorp Genetics (formerly Invitae), Labcorp
Classification: Pathogenic. Last evaluated: 2022-09-07. Review status: criteria provided, single submitter. Criteria: Invitae Variant Classification Sherloc (09022015). Collection method: clinical testing. Allele origin: germline.
Comment: For these reasons, this variant has been classified as Pathogenic. This variant disrupts a region of the ZNF469 protein in which other variant(s) (p.Arg3414Glyfs*59) have been determined to be pathogenic (PMID: 32671420). This suggests that this is a clinically significant region of the protein, and that variants that disrupt it are likely to be disease-causing. This variant has not been reported in the literature in individuals affected with ZNF469-related conditions. This variant is present in population databases (no rsID available, gnomAD 0.01%). This sequence change creates a premature translational stop signal (p.Arg3414Glyfs*60) in the ZNF469 gene. While this is not anticipated to result in nonsense mediated decay, it is expected to disrupt the last 512 amino acid(s) of the ZNF469 protein.

Literature cited by the submitters: PubMed 32671420 (cited by Labcorp Genetics (formerly Invitae), Labcorp).